The following is an entry in ClinVar:

NM_000321.3(RB1):c.2490-12T>C

Gene: RB1 (RB transcriptional corepressor 1; plus strand). Cytogenetic location: 13q14.2.
Variant type: single nucleotide variant.
Coding change: c.2490-12T>C on transcript NM_000321.3 (MANE Select); 12 bases into the intron before coding-DNA position 2490, T replaced by C.
Molecular consequence: intron variant.
Genome position (GRCh38, 1-based): chr13:48,473,348, T>C. VCF-style: chr13-48473348-T-C. GRCh37 (hg19) VCF-style: chr13-49047484-T-C.
Other names: c.2490-12T>C (NM_001407165.1).
Identifiers: ClinVar variation 4734391 (VCV004734391.1).

ClinVar aggregate classification (germline): Uncertain significance (1 of 4 stars; one submission).

Conditions:
Retinoblastoma (RB1). Also called: RETINOBLASTOMA, SOMATIC. Identifiers: Orphanet 790, MedGen C0035335, MeSH D012175, MONDO:0008380, OMIM 180200, HP:0009919. Disease mechanism: loss of function. Inheritance: Both sporadic and heritable forms are tested..

Submission:

Labcorp Genetics (formerly Invitae), Labcorp
Classification: Uncertain significance for Retinoblastoma. Last evaluated: 2025-12-30. Review status: criteria provided, single submitter. Criteria: Invitae Variant Classification Sherloc (09022015). Collection method: clinical testing. Allele origin: germline.
Comment: This sequence change falls in intron 23 of the RB1 gene. It does not directly change the encoded amino acid sequence of the RB1 protein. This variant is not present in population databases (gnomAD no frequency). This variant has not been reported in the literature in individuals affected with RB1-related conditions. Studies have shown that this variant is associated with inconclusive levels of altered splicing (internal data). In summary, the available evidence is currently insufficient to determine the role of this variant in disease. Therefore, it has been classified as a Variant of Uncertain Significance.